The following is an entry in ClinVar:

ClinVar aggregate classification (germline): Likely benign (1 of 4 stars; one submission).

Allele frequency attached by ClinVar (database versions not stated): 1000 Genomes Project 0.00140; 1000 Genomes Project 30x 0.00187; TOPMed 0.00277.

Submission:

CeGaT Center for Human Genetics Tuebingen
Classification: Likely benign. Last evaluated: 2023-02-01. Review status: criteria provided, single submitter. Criteria: CeGaT Center For Human Genetics Tuebingen Variant Classification Criteria Version 2. Collection method: clinical testing. Allele origin: germline. Affected: yes. Observed: 1 variant allele.
Comment: AGA: BS2

NC_000004.12:g.177445219C>T

Genes: AGA-DT (AGA divergent transcript; plus strand), AGA (aspartylglucosaminidase; minus strand). Cytogenetic location: 4q34.3.
Variant type: single nucleotide variant.
Molecular consequence: non-coding transcript variant (on NR_183793.1).
Genome position: GRCh38 VCF-style: chr4-177445219-C-T. GRCh37 (hg19) VCF-style: chr4-178366373-C-T.
Identifiers: ClinVar variation 2655203 (VCV002655203.24), dbSNP rs563039880, ClinGen allele CA110793356.